The following is an entry in ClinVar:

ClinVar aggregate classification (germline): Likely benign. Review status: criteria provided, multiple submitters, no conflicts (2 of 4 stars). 2 submissions from 2 submitters: Likely benign (2). Last evaluated 2025-03-31.

Conditions:
Charcot-Marie-Tooth disease type 2. Also called: Charcot-Marie-Tooth type 2. Identifiers: Orphanet 64746, MedGen C0270914, MONDO:0018993.

Allele frequency attached by ClinVar (database versions not stated): gnomAD exomes below 0.00001 and 0.00001; ExAC 0.00001.
gnomAD v4.1: 5 of 1,614,132 alleles (0.00031%); highest among the groups gnomAD compares: Non-Finnish European, 0.00034%; no homozygotes.

Submissions (2):

Mayo Clinic Laboratories, Mayo Clinic
Classification: Likely benign. Last evaluated: 2025-03-31. Review status: criteria provided, single submitter. Criteria: ACMG Guidelines, 2015. Collection method: clinical testing. Allele origin: germline. Observed: 1 variant allele.
Comment: BP4, BP7

Labcorp Genetics (formerly Invitae), Labcorp
Classification: Likely benign for Charcot-Marie-Tooth disease type 2. Last evaluated: 2022-07-30. Review status: criteria provided, single submitter. Criteria: Invitae Variant Classification Sherloc (09022015). Collection method: clinical testing. Allele origin: germline.

NM_001605.3(AARS1):c.2412T>C (p.Thr804=)

Gene: AARS1 (alanyl-tRNA synthetase 1; minus strand). Cytogenetic location: 16q22.1.
Variant type: single nucleotide variant.
Coding change: c.2412T>C on transcript NM_001605.3 (MANE Select); coding-DNA position 2412, T replaced by C.
Protein change: p.Thr804=; no amino-acid change (threonine 804 retained).
Molecular consequence: synonymous variant.
Genome position (GRCh38, 1-based): chr16:70,254,027, A>G on the plus strand (T>C on the coding strand, the complement: AARS1 is on the minus strand). VCF-style: chr16-70254027-A-G. GRCh37 (hg19) VCF-style: chr16-70287930-A-G.
Other names: p.Thr804=.
Identifiers: ClinVar variation 704747 (VCV000704747.11), dbSNP rs761717573, ClinGen allele CA8140417.